The following is an entry in ClinVar:

ClinVar aggregate classification (germline): Pathogenic (1 of 4 stars; one submission).

Submission:

ISCA Site 6
Classification: Pathogenic. Last evaluated: 2011-08-12. Review status: criteria provided, single submitter. Criteria: Kaminsky et al. (Genet Med. 2011). Collection method: clinical testing. Allele origin: de novo. Affected: yes. Observed: 1 variant allele.
Comment: Copy number variation identified through the course of routine clinical cytogenomic testing in postnatal populations. Clinical assertions have been curated as described in Kaminsky et al. 2011.

GRCh38/hg38 15q11.2-13.1(chr15:23398620-28190742)x3

Genes: ATP10A (ATPase phospholipid transporting 10A (putative); minus strand), ATP10A-DT (ATP10A divergent transcript; plus strand), GABRA5 (gamma-aminobutyric acid type A receptor subunit alpha5; plus strand), GABRB3 (gamma-aminobutyric acid type A receptor subunit beta3; minus strand), GABRG3 (gamma-aminobutyric acid type A receptor subunit gamma3; plus strand) and 137 more. Cytogenetic location: 15q11.2-13.1.
Variant type: copy number gain.
Change: copy number 3 (three copies instead of two) of chr15:23,398,620-28,190,742 (4.79 Mb, GRCh38 coordinates, 1-based), cytogenetic band 15q11.2-13.1.
Identifiers: ClinVar variation 58605 (VCV000058605.2).